The following is an entry in ClinVar:

NM_012398.3(PIP5K1C):c.991C>T (p.Arg331Cys)

Gene: PIP5K1C (phosphatidylinositol-4-phosphate 5-kinase type 1 gamma; minus strand). Cytogenetic location: 19p13.3.
Variant type: single nucleotide variant.
Coding change: c.991C>T on transcript NM_012398.3 (MANE Select); coding-DNA position 991, C replaced by T.
Protein change: p.Arg331Cys; replaces arginine 331 with cysteine.
Molecular consequence: missense variant.
Genome position (GRCh38, 1-based): chr19:3,651,962, G>A on the plus strand (C>T on the coding strand, the complement: PIP5K1C is on the minus strand). VCF-style: chr19-3651962-G-A. GRCh37 (hg19) VCF-style: chr19-3651960-G-A.
Other names: c.991C>T, p.Arg331Cys (NM_001195733.2, NM_001300849.2); c.991C>T (NM_012398.2); short protein forms R331C.
Identifiers: ClinVar variation 2434867 (VCV002434867.4), dbSNP rs146890276, ClinGen allele CA9082489.

ClinVar aggregate classification (germline): Conflicting classifications of pathogenicity. Review status: criteria provided, conflicting classifications (1 of 4 stars). 2 submissions from 2 submitters: Uncertain significance (1); Likely benign (1). Last evaluated 2026-03-06.

Conditions:
PIP5K1C-related disorder. Also called: PIP5K1C-related condition.
Lethal congenital contracture syndrome 3. Also called: MULTIPLE CONTRACTURE SYNDROME, ISRAELI BEDOUIN TYPE B. Identifiers: Orphanet 137783, MedGen C1969655, MONDO:0012656, OMIM 611369.

Allele frequency attached by ClinVar (database versions not stated): 1000 Genomes Project 0.00060; 1000 Genomes Project 30x 0.00078; ExAC 0.00079; TOPMed 0.00106; gnomAD 0.00113; ESP Exome Variant Server 0.00139.
gnomAD v4.1: 2,559 of 1,613,070 alleles (0.16%); highest among the groups gnomAD compares: Non-Finnish European, 0.2%; 2 homozygotes.

Submissions (2):

PreventionGenetics, part of Exact Sciences
Classification: Likely benign for PIP5K1C-related condition. Last evaluated: 2026-03-06. Review status: criteria provided, single submitter. Criteria: ACMG Guidelines, 2015. Collection method: clinical testing. Allele origin: germline.
Comment: This variant is classified as likely benign based on ACMG/AMP sequence variant interpretation guidelines (Richards et al. 2015 PMID: 25741868, with internal and published modifications).

Revvity Omics, Revvity
Classification: Uncertain significance for Lethal congenital contracture syndrome 3. Last evaluated: 2021-10-04. Review status: criteria provided, single submitter. Criteria: ACMG Guidelines, 2015. Collection method: clinical testing. Allele origin: germline.